The following is an entry in ClinVar:

ClinVar aggregate classification (germline): Conflicting classifications of pathogenicity. Review status: criteria provided, conflicting classifications (1 of 4 stars). 7 submissions from 7 submitters: Uncertain significance (6); Likely benign (1). Last evaluated 2025-12-23.

Conditions:
TTN-related disorder. Also called: TTN-related condition; TTN-related disease; TTN-related disorders.
Cardiovascular phenotype. Identifiers: MedGen CN230736.
Dilated cardiomyopathy 1G (CMD1G). Identifiers: Orphanet 154, MedGen C1858763, MONDO:0011400, OMIM 604145.
Autosomal recessive limb-girdle muscular dystrophy type 2J (LGMDR10). Also called: Limb-girdle muscular dystrophy, type 2J; MUSCULAR DYSTROPHY, LIMB-GIRDLE, AUTOSOMAL RECESSIVE 10. Identifiers: Orphanet 140922, MedGen C1837342, MONDO:0012127, OMIM 608807.
Cardiomyopathy (CMYO). Also called: Cardiomyopathies. Identifiers: Orphanet 167848, MedGen C0878544, MONDO:0004994, HP:0001638. Inheritance: Various modes of inheritance.

Allele frequency attached by ClinVar (database versions not stated): ExAC 0.00002; gnomAD 0.00002; gnomAD exomes 0.00004 and 0.00005; TOPMed 0.00004.
gnomAD v4.1: 79 of 1,612,522 alleles (0.0049%); highest among the groups gnomAD compares: Non-Finnish European, 0.0064%; no homozygotes.

Submissions (7):

PreventionGenetics, part of Exact Sciences
Classification: Uncertain significance for TTN-related condition. Last evaluated: 2025-12-23. Review status: criteria provided, single submitter. Criteria: ACMG Guidelines, 2015. Collection method: clinical testing. Allele origin: germline.
Comment: The TTN c.54578A>G variant is predicted to result in the amino acid substitution p.Asn18193Ser. To our knowledge, this variant has not been reported in the literature. This variant is reported in 0.0089% of alleles in individuals of European (Non-Finnish) descent in gnomAD. At this time, the clinical significance of this variant is uncertain due to the absence of conclusive functional and genetic evidence.

Mayo Clinic Laboratories, Mayo Clinic
Classification: Uncertain significance. Last evaluated: 2025-10-09. Review status: criteria provided, single submitter. Criteria: ACMG Guidelines, 2015. Collection method: clinical testing. Allele origin: germline. Observed: 2 variant alleles.
Comment: BP4_moderate

CeGaT Center for Human Genetics Tuebingen
Classification: Uncertain significance. Last evaluated: 2023-07-01. Review status: criteria provided, single submitter. Criteria: CeGaT Center For Human Genetics Tuebingen Variant Classification Criteria Version 2. Collection method: clinical testing. Allele origin: germline. Affected: yes. Observed: 1 variant allele.
Comment: TTN: PM2

CHEO Genetics Diagnostic Laboratory, Children's Hospital of Eastern Ontario
Classification: Likely benign for Cardiomyopathy. Last evaluated: 2022-03-30. Review status: criteria provided, single submitter. Criteria: ACMG Guidelines, 2015. Collection method: clinical testing. Allele origin: germline.

Labcorp Genetics (formerly Invitae), Labcorp
Classification: Uncertain significance for Dilated cardiomyopathy 1G; Autosomal recessive limb-girdle muscular dystrophy type 2J. Last evaluated: 2021-05-31. Review status: criteria provided, single submitter. Criteria: Invitae Variant Classification Sherloc (09022015). Collection method: clinical testing. Allele origin: germline.
Comment: This sequence change replaces asparagine with serine at codon 18193 of the TTN protein (p.Asn18193Ser). The asparagine residue is weakly conserved and there is a small physicochemical difference between asparagine and serine. This variant is present in population databases (rs777505893, ExAC 0.003%). This variant has not been reported in the literature in individuals with TTN-related disease. Algorithms developed to predict the effect of sequence changes on RNA splicing suggest that this variant may create or strengthen a splice site, but this prediction has not been confirmed by published transcriptional studies. In summary, the available evidence is currently insufficient to determine the role of this variant in disease. Therefore, it has been classified as a Variant of Uncertain Significance.

Ambry Genetics
Classification: Uncertain significance for Cardiovascular phenotype. Last evaluated: 2019-04-09. Review status: criteria provided, single submitter. Criteria: Ambry Variant Classification Scheme 2023. Collection method: clinical testing. Allele origin: germline.
Comment: The p.N9128S variant (also known as c.27383A>G), located in coding exon 109 of the TTN gene, results from an A to G substitution at nucleotide position 27383. The asparagine at codon 9128 is replaced by serine, an amino acid with highly similar properties. This amino acid position is highly conserved in available vertebrate species; however, serine is the reference amino acid in other vertebrate species. In addition, this alteration is predicted to be tolerated by in silico analysis. Since supporting evidence is limited at this time, the clinical significance of this alteration remains unclear.

Eurofins Ntd Llc (ga)
Classification: Uncertain significance. Last evaluated: 2016-12-04. Review status: criteria provided, single submitter. Criteria: EGL Classification Definitions 2015. Collection method: clinical testing. Allele origin: germline. Observed: 1 variant allele, 1 heterozygote.

NM_001267550.2(TTN):c.54578A>G (p.Asn18193Ser)

Genes: TTN (titin; minus strand), TTN-AS1 (TTN antisense RNA 1; plus strand). Cytogenetic location: 2q31.2.
Variant type: single nucleotide variant.
Coding change: c.54578A>G on transcript NM_001267550.2 (MANE Select); coding-DNA position 54578, A replaced by G.
Protein change: p.Asn18193Ser; replaces asparagine 18193 with serine.
Molecular consequence: missense variant.
Genome position (GRCh38, 1-based): chr2:178,604,109, T>C on the plus strand (A>G on the coding strand, the complement: TTN is on the minus strand). VCF-style: chr2-178604109-T-C. GRCh37 (hg19) VCF-style: chr2-179468836-T-C.
Other names: p.Asn15625Ser; c.49655A>G, p.Asn16552Ser (NM_001256850.1); c.27383A>G, p.Asn9128Ser (NM_003319.4); c.46874A>G, p.Asn15625Ser (NM_133378.4); c.27758A>G, p.Asn9253Ser (NM_133432.3); c.27959A>G, p.Asn9320Ser (NM_133437.4); short protein forms N15625S, N18193S, N9128S, N9253S, N9320S, N16552S.
Identifiers: ClinVar variation 498614 (VCV000498614.36), dbSNP rs777505893, ClinGen allele CA1993613.
Genomic context (GRCh38, chr2:178,604,109, plus strand): 5'-CAATAAGGACTTCCCTCTTCTCTTTTCTCCAGCCAGTAGCCAGTAATTGGAGAGCCACCA[T>C]TGTCCAAAGGAGGAGTCCAGCTCACTAGCATTGATCCTTTGGTGCGTGCCAAAACTTTTG-3'
Protein context (NP_001254479.2, residues 18183-18203): MLVSWTPPLD[Asn18193Ser]GGSPITGYWL